The following is an entry in ClinVar:

ClinVar aggregate classification (germline): Pathogenic (1 of 4 stars; one submission).

Conditions:
Focal segmental glomerulosclerosis 7 (FSGS7). Identifiers: Orphanet 656, MedGen C4014925, MONDO:0014451, OMIM 616002.
Renal coloboma syndrome (PAPRS). Also called: COLOBOMA OF OPTIC NERVE WITH RENAL DISEASE; OPTIC COLOBOMA, VESICOURETERAL REFLUX, AND RENAL ANOMALIES; OPTIC NERVE COLOBOMA WITH RENAL DISEASE; RENAL-COLOBOMA SYNDROME WITH MACULAR ABNORMALITIES; PAPILLORENAL SYNDROME WITH MILD OCULAR ABNORMALITIES; CONGENITAL ANOMALIES OF THE KIDNEY AND URINARY TRACT WITH OR WITHOUT OCULAR ABNORMALITIES. Identifiers: Orphanet 1475, MedGen C1852759, MONDO:0007352, OMIM 120330.

Submission:

Labcorp Genetics (formerly Invitae), Labcorp
Classification: Pathogenic for Renal coloboma syndrome; Focal segmental glomerulosclerosis 7. Last evaluated: 2022-04-24. Review status: criteria provided, single submitter. Criteria: Invitae Variant Classification Sherloc (09022015). Collection method: clinical testing. Allele origin: germline.
Comment: For these reasons, this variant has been classified as Pathogenic. This variant has not been reported in the literature in individuals affected with PAX2-related conditions. This variant is not present in population databases (gnomAD no frequency). This sequence change creates a premature translational stop signal (p.Gly81Valfs*2) in the PAX2 gene. It is expected to result in an absent or disrupted protein product. Loss-of-function variants in PAX2 are known to be pathogenic (PMID: 11461952, 24676634).

Literature cited by the submitters: PubMed 11461952; PubMed 24676634.

NM_000278.5(PAX2):c.242del (p.Gly81fs)

Gene: PAX2 (paired box 2; plus strand). Cytogenetic location: 10q24.31.
Variant type: Deletion.
Coding change: c.242del on transcript NM_000278.5 (MANE Select); coding-DNA position 242, one base deleted (G; older notation c.242delG).
Protein change: p.Gly81fs; shifts the reading frame from glycine 81.
Molecular consequence: frameshift variant.
Genome position (GRCh38, 1-based): chr10:100,750,723, G deleted; the last of 3 consecutive G bases (chr10:100,750,721-100,750,723); deleting any one gives the same sequence. VCF-style (leftmost placement, unchanged base first): chr10-100750720-CG-C. GRCh37 (hg19) VCF-style: chr10-102510477-CG-C.
Other names: c.335del, p.Gly112fs (NM_001304569.2); c.242del, p.Gly81fs (NM_003987.5, NM_003988.5, NM_003989.5 and 1 more transcripts); short protein forms G112fs, G81fs.
Identifiers: ClinVar variation 2129979 (VCV002129979.4), dbSNP rs2492899088, ClinGen allele CA2580081096.